The following is an entry in ClinVar:

ClinVar aggregate classification (germline): Uncertain significance (1 of 4 stars; one submission).

Conditions:
FADD-related immunodeficiency. Also called: Infections, recurrent, with encephalopathy, hepatic dysfunction, and cardiovascular malformations; FADD DEFICIENCY. Identifiers: Orphanet 306550, MedGen C3151062, MONDO:0013408, OMIM 613759.

gnomAD v4.1: 1 of 1,548,780 alleles (0.000065%); highest among the groups gnomAD compares: East Asian, 0.0026%; no homozygotes.

Submission:

Labcorp Genetics (formerly Invitae), Labcorp
Classification: Uncertain significance for FADD-related immunodeficiency. Last evaluated: 2023-12-02. Review status: criteria provided, single submitter. Criteria: Invitae Variant Classification Sherloc (09022015). Collection method: clinical testing. Allele origin: germline.
Comment: This sequence change replaces serine, which is neutral and polar, with phenylalanine, which is neutral and non-polar, at codon 69 of the FADD protein (p.Ser69Phe). This variant is not present in population databases (gnomAD no frequency). This variant has not been reported in the literature in individuals affected with FADD-related conditions. An algorithm developed to predict the effect of missense changes on protein structure and function (PolyPhen-2) suggests that this variant is likely to be disruptive. In summary, the available evidence is currently insufficient to determine the role of this variant in disease. Therefore, it has been classified as a Variant of Uncertain Significance.

NM_003824.4(FADD):c.206C>T (p.Ser69Phe)

Gene: FADD (Fas associated via death domain; plus strand). Cytogenetic location: 11q13.3.
Variant type: single nucleotide variant.
Coding change: c.206C>T on transcript NM_003824.4 (MANE Select); coding-DNA position 206, C replaced by T.
Protein change: p.Ser69Phe; replaces serine 69 with phenylalanine.
Molecular consequence: missense variant.
Genome position (GRCh38, 1-based): chr11:70,203,665, C>T. VCF-style: chr11-70203665-C-T. GRCh37 (hg19) VCF-style: chr11-70049771-C-T.
Other names: short protein forms S69F.
Identifiers: ClinVar variation 2695129 (VCV002695129.3), dbSNP rs2497597493, ClinGen allele CA381665422.